The following is an entry in ClinVar:

NM_000138.5(FBN1):c.3643T>C (p.Ser1215Pro)

Gene: FBN1 (fibrillin 1; minus strand). Cytogenetic location: 15q21.1.
Variant type: single nucleotide variant.
Coding change: c.3643T>C on transcript NM_000138.5 (MANE Select); coding-DNA position 3643, T replaced by C.
Protein change: p.Ser1215Pro; replaces serine 1215 with proline.
Molecular consequence: missense variant.
Genome position (GRCh38, 1-based): chr15:48,485,443, A>G on the plus strand (T>C on the coding strand, the complement: FBN1 is on the minus strand). VCF-style: chr15-48485443-A-G. GRCh37 (hg19) VCF-style: chr15-48777640-A-G.
Other names: c.3643T>C, p.Ser1215Pro (NM_001406716.1); short protein forms S1215P.
Identifiers: ClinVar variation 2949928 (VCV002949928.3), dbSNP rs2505544995, ClinGen allele CA392324510.
Genomic context (GRCh38, chr15:48,485,443, plus strand): 5'-ATCTCTGGTCAGGCATTAGTGCAAATCCCGGCTGACAGCTACATTCATAGCTGCCTTCAG[A>G]GTTTGTGCAGAAGGTTTCACAACCACCATTCATTATGCTGCATTCATCAATGTCTAAAAG-3'
Protein context (NP_000129.3, residues 1205-1225): NGGCETFCTN[Ser1215Pro]EGSYECSCQP

ClinVar aggregate classification (germline): Uncertain significance (1 of 4 stars; one submission).

Conditions:
Marfan syndrome (MFS). Also called: MARFAN SYNDROME, TYPE I; Marfan syndrome type 1; Marfan's syndrome; Marfan syndrome, classic; FBN1-Related Marfan Syndrome. Identifiers: Orphanet 284963, Orphanet 558, MedGen C0024796, MONDO:0007947, OMIM 154700.
Familial thoracic aortic aneurysm and aortic dissection (TAAD). Also called: Thoracic aortic aneurysms and dissections. Identifiers: Orphanet 91387, MedGen C4707243, MONDO:0019625.

Submission:

Labcorp Genetics (formerly Invitae), Labcorp
Classification: Uncertain significance for Marfan syndrome; Familial thoracic aortic aneurysm and aortic dissection. Last evaluated: 2025-06-23. Review status: criteria provided, single submitter. Criteria: Invitae Variant Classification Sherloc (09022015). Collection method: clinical testing. Allele origin: germline.
Comment: This sequence change replaces serine, which is neutral and polar, with proline, which is neutral and non-polar, at codon 1215 of the FBN1 protein (p.Ser1215Pro). This variant is not present in population databases (gnomAD no frequency). This missense change has been observed in individual(s) with Marfan syndrome (internal data). ClinVar contains an entry for this variant (Variation ID: 2949928). Invitae Evidence Modeling of protein sequence and biophysical properties (such as structural, functional, and spatial information, amino acid conservation, physicochemical variation, residue mobility, and thermodynamic stability) indicates that this missense variant is expected to disrupt FBN1 protein function with a positive predictive value of 95%. In summary, the available evidence is currently insufficient to determine the role of this variant in disease. Therefore, it has been classified as a Variant of Uncertain Significance.